The following is an entry in ClinVar:

ClinVar aggregate classification (germline): Uncertain significance (1 of 4 stars; one submission).

Conditions:
Oligodontia-cancer predisposition syndrome. Also called: TOOTH AGENESIS-COLORECTAL CANCER SYNDROME. Identifiers: Orphanet 300576, MedGen C1837750, MONDO:0012075, OMIM 608615. Disease mechanism: loss of function.

Submission:

Labcorp Genetics (formerly Invitae), Labcorp
Classification: Uncertain significance for Oligodontia-cancer predisposition syndrome. Last evaluated: 2023-09-26. Review status: criteria provided, single submitter. Criteria: Invitae Variant Classification Sherloc (09022015). Collection method: clinical testing. Allele origin: germline.
Comment: This sequence change replaces proline, which is neutral and non-polar, with alanine, which is neutral and non-polar, at codon 293 of the AXIN2 protein (p.Pro293Ala). This variant is not present in population databases (gnomAD no frequency). This variant has not been reported in the literature in individuals affected with AXIN2-related conditions. ClinVar contains an entry for this variant (Variation ID: 846724). Advanced modeling of protein sequence and biophysical properties (such as structural, functional, and spatial information, amino acid conservation, physicochemical variation, residue mobility, and thermodynamic stability) has been performed at Invitae for this missense variant, however the output from this modeling did not meet the statistical confidence thresholds required to predict the impact of this variant on AXIN2 protein function. RNA analysis performed to evaluate the impact of this missense change on mRNA splicing indicates it does not significantly alter splicing (Invitae). In summary, the available evidence is currently insufficient to determine the role of this variant in disease. Therefore, it has been classified as a Variant of Uncertain Significance.

NM_004655.4(AXIN2):c.877C>G (p.Pro293Ala)

Gene: AXIN2 (axin 2; minus strand). Cytogenetic location: 17q24.1.
Variant type: single nucleotide variant.
Coding change: c.877C>G on transcript NM_004655.4 (MANE Select); coding-DNA position 877, C replaced by G.
Protein change: p.Pro293Ala; replaces proline 293 with alanine.
Molecular consequence: missense variant.
Genome position (GRCh38, 1-based): chr17:65,549,599, G>C on the plus strand (C>G on the coding strand, the complement: AXIN2 is on the minus strand). VCF-style: chr17-65549599-G-C. GRCh37 (hg19) VCF-style: chr17-63545717-G-C.
Other names: c.877C>G, p.Pro293Ala (NM_001363813.1); short protein forms P293A.
Identifiers: ClinVar variation 846724 (VCV000846724.9), dbSNP rs2044163867, ClinGen allele CA400679588.